The following is an entry in ClinVar:

ClinVar aggregate classification (germline): Likely benign (1 of 4 stars; one submission).

Conditions:
NPHP1-related disorder. Also called: NPHP1-related disorders; NPHP1-related condition.

Submission:

PreventionGenetics, part of Exact Sciences
Classification: Likely benign for NPHP1-related condition. Last evaluated: 2026-03-30. Review status: criteria provided, single submitter. Criteria: ACMG Guidelines, 2015. Collection method: clinical testing. Allele origin: germline.
Comment: This variant is classified as likely benign based on ACMG/AMP sequence variant interpretation guidelines (Richards et al. 2015 PMID: 25741868, with internal and published modifications).

NM_001128178.3(NPHP1):c.1656T>C (p.His552=)

Gene: NPHP1 (nephrocystin 1; minus strand). Cytogenetic location: 2q13.
Variant type: single nucleotide variant.
Coding change: c.1656T>C on transcript NM_001128178.3 (MANE Select); coding-DNA position 1656, T replaced by C.
Protein change: p.His552=; no amino-acid change (histidine 552 retained).
Molecular consequence: synonymous variant.
Genome position (GRCh38, 1-based): chr2:110,129,246, A>G on the plus strand (T>C on the coding strand, the complement: NPHP1 is on the minus strand). VCF-style: chr2-110129246-A-G. GRCh37 (hg19) VCF-style: chr2-110886823-A-G.
Other names: c.1824T>C, p.His608= (NM_000272.5); c.1467T>C, p.His489= (NM_001128179.3); c.1653T>C, p.His551= (NM_001374256.1); c.1656T>C, p.His552= (NM_001374257.1); c.1821T>C, p.His607= (NM_207181.4).
Identifiers: ClinVar variation 4994317 (VCV004994317.1).